The following is an entry in ClinVar:

ClinVar aggregate classification (germline): Likely benign (1 of 4 stars; one submission).

gnomAD v4.1: 701 of 1,614,252 alleles (0.043%); highest among the groups gnomAD compares: Non-Finnish European, 0.054%; 1 homozygote.

Submission:

CeGaT Center for Human Genetics Tuebingen
Classification: Likely benign. Last evaluated: 2025-06-01. Review status: criteria provided, single submitter. Criteria: CeGaT Center For Human Genetics Tuebingen Variant Classification Criteria Version 2. Collection method: clinical testing. Allele origin: germline. Affected: yes. Observed: 1 variant allele.
Comment: H1-4: BP4, BP7

NM_005321.3(H1-4):c.237C>T (p.Arg79=)

Gene: H1-4 (H1.4 linker histone, cluster member; plus strand). Cytogenetic location: 6p22.2.
Variant type: single nucleotide variant.
Coding change: c.237C>T on transcript NM_005321.3 (MANE Select); coding-DNA position 237, C replaced by T.
Protein change: p.Arg79=; no amino-acid change (arginine 79 retained).
Molecular consequence: synonymous variant.
Genome position (GRCh38, 1-based): chr6:26,156,627, C>T. VCF-style: chr6-26156627-C-T. GRCh37 (hg19) VCF-style: chr6-26156855-C-T.
Identifiers: ClinVar variation 4084105 (VCV004084105.8).